The following is an entry in ClinVar:

ClinVar aggregate classification (germline): Uncertain significance. Review status: criteria provided, multiple submitters, no conflicts (2 of 4 stars). 2 submissions from 2 submitters: Uncertain significance (2). Last evaluated 2024-12-27.

Conditions:
Hereditary cancer-predisposing syndrome. Also called: Hereditary neoplastic syndrome; Neoplastic Syndromes, Hereditary; Tumor predisposition; Hereditary Cancer Syndrome. Identifiers: Orphanet 140162, MedGen C0027672, MeSH D009386, MONDO:0015356.
Juvenile polyposis syndrome (JPS). Identifiers: Orphanet 2929, MedGen C0345893, MONDO:0017380, OMIM 174900.

Submissions (2):

Ambry Genetics
Classification: Uncertain significance for Hereditary cancer-predisposing syndrome. Last evaluated: 2024-12-27. Review status: criteria provided, single submitter. Criteria: Ambry Variant Classification Scheme 2023. Collection method: clinical testing. Allele origin: germline.
Comment: The p.C173R variant (also known as c.517T>C), located in coding exon 5 of the BMPR1A gene, results from a T to C substitution at nucleotide position 517. The cysteine at codon 173 is replaced by arginine, an amino acid with highly dissimilar properties. This amino acid position is conserved. In addition, this alteration is predicted to be deleterious by in silico analysis. Based on the available evidence, the clinical significance of this variant remains unclear.

Labcorp Genetics (formerly Invitae), Labcorp
Classification: Uncertain significance for Juvenile polyposis syndrome. Last evaluated: 2023-06-05. Review status: criteria provided, single submitter. Criteria: Invitae Variant Classification Sherloc (09022015). Collection method: clinical testing. Allele origin: germline.
Comment: In summary, the available evidence is currently insufficient to determine the role of this variant in disease. Therefore, it has been classified as a Variant of Uncertain Significance. Advanced modeling of protein sequence and biophysical properties (such as structural, functional, and spatial information, amino acid conservation, physicochemical variation, residue mobility, and thermodynamic stability) performed at Invitae indicates that this missense variant is not expected to disrupt BMPR1A protein function. This variant has not been reported in the literature in individuals affected with BMPR1A-related conditions. This variant is not present in population databases (gnomAD no frequency). This sequence change replaces cysteine, which is neutral and slightly polar, with arginine, which is basic and polar, at codon 173 of the BMPR1A protein (p.Cys173Arg).

NM_004329.3(BMPR1A):c.517T>C (p.Cys173Arg)

Gene: BMPR1A (bone morphogenetic protein receptor type 1A; plus strand). Cytogenetic location: 10q23.2.
Variant type: single nucleotide variant.
Coding change: c.517T>C on transcript NM_004329.3 (MANE Select); coding-DNA position 517, T replaced by C.
Protein change: p.Cys173Arg; replaces cysteine 173 with arginine.
Molecular consequence: missense variant. On other transcripts: non-coding transcript variant (3), intron variant (1).
Genome position (GRCh38, 1-based): chr10:86,900,113, T>C. VCF-style: chr10-86900113-T-C. GRCh37 (hg19) VCF-style: chr10-88659870-T-C.
Other names: c.517T>C, p.Cys173Arg (NM_001406559.1, NM_001406560.1, NM_001406561.1 and 22 more transcripts); c.433T>C, p.Cys145Arg (NM_001406585.1, NM_001406586.1, NM_001406587.1 and 2 more transcripts); c.333+7884T>C (NM_001406589.1); short protein forms C173R, C145R.
Identifiers: ClinVar variation 2802262 (VCV002802262.4), dbSNP rs2539495804, ClinGen allele CA377450696.